The following is an entry in ClinVar:

ClinVar aggregate classification (germline): Pathogenic/Likely pathogenic. Review status: criteria provided, multiple submitters, no conflicts (2 of 4 stars). 3 submissions from 3 submitters: Pathogenic (2); Likely pathogenic (1). Last evaluated 2025-10-11.

Conditions:
Wilson disease (WND). Also called: Wilson's disease. Identifiers: Orphanet 905, MedGen C0019202, MONDO:0010200, OMIM 277900. Disease mechanism: loss of function.

Submissions (3):

Labcorp Genetics (formerly Invitae), Labcorp
Classification: Pathogenic for Wilson disease. Last evaluated: 2025-10-11. Review status: criteria provided, single submitter. Criteria: Invitae Variant Classification Sherloc (09022015). Collection method: clinical testing. Allele origin: germline.
Comment: This sequence change creates a premature translational stop signal (p.Asn1223Argfs*105) in the ATP7B gene. It is expected to result in an absent or disrupted protein product. Loss-of-function variants in ATP7B are known to be pathogenic (PMID: 10441329, 16283883). This variant is present in population databases (rs755012990, gnomAD 0.006%). This variant has not been reported in the literature in individuals affected with ATP7B-related conditions. ClinVar contains an entry for this variant (Variation ID: 1458910). For these reasons, this variant has been classified as Pathogenic.

All of Us Research Program, National Institutes of Health
Classification: Likely pathogenic for Wilson disease. Last evaluated: 2023-10-02. Review status: criteria provided, single submitter. Criteria: ACMG Guidelines, 2015. Collection method: clinical testing. Allele origin: germline. Inheritance: Autosomal recessive inheritance. Observed: 1 variant allele, 1 heterozygote.
Comment: This variant is predicted to result in loss of protein function through nonsense-mediated decay or protein truncation. Loss of function is an established mechanism of disease. This variant is rare in large population databases, including the Genome Aggregation Database. To date, this variant has not been reported in association with human disease in the medical literature.

This study involves interpretation of variants in research participants for the purpose of population health screening. Participant phenotype was not available at the time of variant classification. Additional details can be found in publication PMID: 35346344, PMCID: PMC8962531

ARUP Laboratories, Molecular Genetics and Genomics, ARUP Laboratories
Classification: Pathogenic for Wilson disease. Last evaluated: 2023-06-14. Review status: criteria provided, single submitter. Criteria: ARUP Molecular Germline Variant Investigation Process 2024. Collection method: clinical testing. Allele origin: germline.
Comment: The ATP7B c.3668_3674del; p.Asn1223ArgfsTer105 variant (rs755012990), to our knowledge, is not reported in the medical literature but is reported in ClinVar (Variation ID: 1458910). This variant is only found on two alleles in the Genome Aggregation Database, indicating it is not a common polymorphism. This variant causes a frameshift by deleting seven nucleotides, so it is predicted to result in a truncated protein or mRNA subject to nonsense-mediated decay. Based on available information, this variant is considered to be pathogenic.

Literature cited by the submitters: PubMed 10441329 (cited by Labcorp Genetics (formerly Invitae), Labcorp); PubMed 16283883 (cited by Labcorp Genetics (formerly Invitae), Labcorp).

NM_000053.4(ATP7B):c.3668_3674del (p.Asn1223fs)

Gene: ATP7B (ATPase copper transporting beta; minus strand). Cytogenetic location: 13q14.3.
Variant type: Deletion.
Coding change: c.3668_3674del on transcript NM_000053.4 (MANE Select); coding-DNA positions 3668 to 3674, 7 bases deleted (ACCGGAA; older notation c.3668_3674delACCGGAA).
Protein change: p.Asn1223fs; shifts the reading frame from asparagine 1223.
Molecular consequence: frameshift variant.
Genome position (GRCh38, 1-based): chr13:51,939,076-51,939,082, TTCCGGT deleted on the plus strand (ACCGGAA on the coding strand, the reverse complement: ATP7B is on the minus strand); deleting any 7 consecutive bases within chr13:51,939,076-51,939,083 gives the same sequence; the c. name uses the placement nearest the transcript's 3' end. VCF-style (leftmost placement, unchanged base first): chr13-51939075-CTTCCGGT-C. GRCh37 (hg19) VCF-style: chr13-52513211-CTTCCGGT-C.
Other names: c.3047_3053del, p.Asn1016fs (NM_001005918.3); c.3335_3341del, p.Asn1112fs (NM_001243182.2); c.3434_3440del, p.Asn1145fs (NM_001330578.2); c.3416_3422del, p.Asn1139fs (NM_001330579.2); short protein forms N1139fs, N1112fs, N1145fs, N1016fs, N1223fs.
Identifiers: ClinVar variation 1458910 (VCV001458910.8), dbSNP rs755012990, ClinGen allele CA6988611.